The following is an entry in ClinVar:

NM_003803.4(MYOM1):c.3200G>A (p.Arg1067Gln)

Gene: MYOM1 (myomesin 1; minus strand). Cytogenetic location: 18p11.31.
Variant type: single nucleotide variant.
Coding change: c.3200G>A on transcript NM_003803.4 (MANE Select); coding-DNA position 3200, G replaced by A.
Protein change: p.Arg1067Gln; replaces arginine 1067 with glutamine.
Molecular consequence: missense variant.
Genome position (GRCh38, 1-based): chr18:3,116,434, C>T on the plus strand (G>A on the coding strand, the complement: MYOM1 is on the minus strand). VCF-style: chr18-3116434-C-T. GRCh37 (hg19) VCF-style: chr18-3116432-C-T.
Other names: c.2912G>A, p.Arg971Gln (NM_019856.2); short protein forms R1067Q, R971Q.
Identifiers: ClinVar variation 641372 (VCV000641372.12), dbSNP rs767647566, ClinGen allele CA8874382.

ClinVar aggregate classification (germline): Uncertain significance. Review status: criteria provided, multiple submitters, no conflicts (2 of 4 stars). 2 submissions from 2 submitters: Uncertain significance (2). Last evaluated 2025-11-26.

Conditions:
Hypertrophic cardiomyopathy. Also called: HYPERTROPHIC MYOCARDIOPATHY. Identifiers: Orphanet 217569, MedGen C0007194, MeSH D002312, MONDO:0005045, HP:0001639.

Allele frequency attached by ClinVar (database versions not stated): gnomAD exomes 0.00002 and 0.00004; ExAC 0.00003; gnomAD 0.00003 and 0.00004; TOPMed 0.00003.
gnomAD v4.1: 41 of 1,613,574 alleles (0.0025%); highest among the groups gnomAD compares: East Asian, 0.0067%; no homozygotes.

Submissions (2):

Ambry Genetics
Classification: Uncertain significance. Last evaluated: 2025-11-26. Review status: criteria provided, single submitter. Criteria: Ambry Variant Classification Scheme 2023. Collection method: clinical testing. Allele origin: germline.

Labcorp Genetics (formerly Invitae), Labcorp
Classification: Uncertain significance for Hypertrophic cardiomyopathy. Last evaluated: 2024-11-04. Review status: criteria provided, single submitter. Criteria: Invitae Variant Classification Sherloc (09022015). Collection method: clinical testing. Allele origin: germline.
Comment: This sequence change replaces arginine, which is basic and polar, with glutamine, which is neutral and polar, at codon 1067 of the MYOM1 protein (p.Arg1067Gln). This variant is present in population databases (rs767647566, gnomAD 0.02%). This variant has not been reported in the literature in individuals affected with MYOM1-related conditions. ClinVar contains an entry for this variant (Variation ID: 641372). Invitae Evidence Modeling of protein sequence and biophysical properties (such as structural, functional, and spatial information, amino acid conservation, physicochemical variation, residue mobility, and thermodynamic stability) has been performed for this missense variant. However, the output from this modeling did not meet the statistical confidence thresholds required to predict the impact of this variant on MYOM1 protein function. In summary, the available evidence is currently insufficient to determine the role of this variant in disease. Therefore, it has been classified as a Variant of Uncertain Significance.